The following is an entry in ClinVar:

ClinVar aggregate classification (germline): Benign/Likely benign. Review status: criteria provided, multiple submitters, no conflicts (2 of 4 stars). 4 submissions from 4 submitters: Benign (2); Likely benign (2). Last evaluated 2026-06-01.

Allele frequency attached by ClinVar (database versions not stated): ESP Exome Variant Server 0.00015; TOPMed 0.00062; 1000 Genomes Project 30x 0.00094; 1000 Genomes Project 0.00120.

Submissions (4):

CeGaT Center for Human Genetics Tuebingen
Classification: Likely benign. Last evaluated: 2026-06-01. Review status: criteria provided, single submitter. Criteria: CeGaT Center For Human Genetics Tuebingen Variant Classification Criteria Version 2. Collection method: clinical testing. Allele origin: germline. Affected: yes. Observed: 5 variant alleles.
Comment: CIC: BP4, BS1

Blueprint Genetics
Classification: Likely benign. Last evaluated: 2024-07-15. Review status: criteria provided, single submitter. Criteria: ACMG Guidelines, 2015. Collection method: clinical testing. Allele origin: germline.

Labcorp Genetics (formerly Invitae), Labcorp
Classification: Benign. Last evaluated: 2019-12-31. Review status: criteria provided, single submitter. Criteria: Invitae Variant Classification Sherloc (09022015). Collection method: clinical testing. Allele origin: germline.

Breakthrough Genomics
Classification: Benign. Review status: criteria provided, single submitter. Criteria: ACMG Guidelines, 2015. Collection method: not provided. Allele origin: germline. Inheritance: Autosomal dominant inheritance. Affected: yes.

NM_001386298.1(CIC):c.7187-8A>G

Gene: CIC (capicua transcriptional repressor; plus strand). Cytogenetic location: 19q13.2.
Variant type: single nucleotide variant.
Coding change: c.7187-8A>G on transcript NM_001386298.1 (MANE Select); 8 bases into the intron before coding-DNA position 7187, A replaced by G.
Molecular consequence: intron variant.
Genome position (GRCh38, 1-based): chr19:42,294,816, A>G. VCF-style: chr19-42294816-A-G. GRCh37 (hg19) VCF-style: chr19-42798968-A-G.
Other names: c.7187-8A>G (NM_001304815.2); c.7184-8A>G (NM_001379482.1, NM_001379480.1); c.4460-8A>G (NM_015125.5); c.4454-8A>G (NM_001379484.1); c.4451-8A>G (NM_001379485.1).
Identifiers: ClinVar variation 726545 (VCV000726545.30), dbSNP rs117887597, ClinGen allele CA9472962.